The following is an entry in ClinVar:

NM_198129.4(LAMA3):c.9165G>A (p.Leu3055=)

Gene: LAMA3 (laminin subunit alpha 3; plus strand). Cytogenetic location: 18q11.2.
Variant type: single nucleotide variant.
Coding change: c.9165G>A on transcript NM_198129.4 (MANE Select); coding-DNA position 9165, G replaced by A.
Protein change: p.Leu3055=; no amino-acid change (leucine 3055 retained).
Molecular consequence: synonymous variant.
Genome position (GRCh38, 1-based): chr18:23,943,926, G>A. VCF-style: chr18-23943926-G-A. GRCh37 (hg19) VCF-style: chr18-21523890-G-A.
Other names: c.4338G>A, p.Leu1446= (NM_000227.6); c.8997G>A, p.Leu2999= (NM_001127717.4); c.4170G>A, p.Leu1390= (NM_001127718.4).
Identifiers: ClinVar variation 726895 (VCV000726895.16), dbSNP rs370470226, ClinGen allele CA8917105.

ClinVar aggregate classification (germline): Conflicting classifications of pathogenicity. Review status: criteria provided, conflicting classifications (1 of 4 stars). 4 submissions from 3 submitters: Uncertain significance (2); Benign (1). 1 of the submissions does not count toward it. Last evaluated 2026-02-02.

Conditions:
LAMA3-related disorder. Also called: LAMA3-related condition; LAMA3-related disorders.
Laryngo-onycho-cutaneous syndrome (JEB2C). Also called: LOGIC SYNDROME; EPIDERMOLYSIS BULLOSA, JUNCTIONAL 2C, LARYNGOONYCHOCUTANEOUS; SHABBIR SYNDROME. Identifiers: Orphanet 2407, MedGen C1328355, MONDO:0009513, OMIM 245660.
Junctional epidermolysis bullosa gravis of Herlitz. Also called: Epidermolysis Bullosa Letalis; EPIDERMOLYSIS BULLOSA JUNCTIONALIS, HERLITZ TYPE; EPIDERMOLYSIS BULLOSA, JUNCTIONAL, HERLITZ-PEARSON TYPE; JEB-HERLITZ TYPE; EPIDERMOLYSIS BULLOSA, JUNCTIONAL 1B, SEVERE; Herlitz-type junctional epidermolysis bullosa. Identifiers: Orphanet 79404, MedGen C0079683, MONDO:0009182, OMIM 226700.

Allele frequency attached by ClinVar (database versions not stated): ESP Exome Variant Server 0.00008; gnomAD 0.00018 and 0.00088; TOPMed 0.00036; gnomAD exomes 0.00151 and 0.00288; ExAC 0.00320; 1000 Genomes Project 30x 0.00515; 1000 Genomes Project 0.00579.
gnomAD v4.1: 2,417 of 1,614,106 alleles (0.15%); highest among the groups gnomAD compares: South Asian, 2.3%; 51 homozygotes.

Submissions (4):

Labcorp Genetics (formerly Invitae), Labcorp
Classification: Benign. Last evaluated: 2026-02-02. Review status: criteria provided, single submitter. Criteria: Invitae Variant Classification Sherloc (09022015). Collection method: clinical testing. Allele origin: germline.

Illumina Laboratory Services, Illumina
Classification: Uncertain significance for Laryngo-onycho-cutaneous syndrome. Last evaluated: 2017-04-27. Review status: criteria provided, single submitter. Criteria: ICSL Variant Classification Criteria 13 December 2019. Collection method: clinical testing. Allele origin: germline.

Illumina Laboratory Services, Illumina
Classification: Uncertain significance for Junctional epidermolysis bullosa gravis of Herlitz. Last evaluated: 2017-04-27. Review status: criteria provided, single submitter. Criteria: ICSL Variant Classification Criteria 13 December 2019. Collection method: clinical testing. Allele origin: germline.

PreventionGenetics, part of Exact Sciences
Classification: Benign for LAMA3-related condition. Last evaluated: 2019-09-20. Review status: no assertion criteria provided. Collection method: clinical testing. Allele origin: germline. Not counted in ClinVar's aggregate classification.
Comment: This variant is classified as benign based on ACMG/AMP sequence variant interpretation guidelines (Richards et al. 2015 PMID: 25741868, with internal and published modifications).